The following is an entry in ClinVar:

ClinVar aggregate classification (germline): Uncertain significance (1 of 4 stars; one submission).

Allele frequency attached by ClinVar (database versions not stated): gnomAD exomes below 0.00001 and 0.00001; TOPMed 0.00001; ExAC 0.00002.
gnomAD v4.1: 5 of 1,601,360 alleles (0.00031%); highest among the groups gnomAD compares: East Asian, 0.0022%; no homozygotes.

Submission:

Labcorp Genetics (formerly Invitae), Labcorp
Classification: Uncertain significance. Last evaluated: 2021-05-03. Review status: criteria provided, single submitter. Criteria: Invitae Variant Classification Sherloc (09022015). Collection method: clinical testing. Allele origin: germline.
Comment: This sequence change falls in intron 5 of the IFT27 gene. It does not directly change the encoded amino acid sequence of the IFT27 protein. It affects a nucleotide within the consensus splice site of the intron. This variant is present in population databases (rs756665373, ExAC 0.01%). This variant has not been reported in the literature in individuals with IFT27-related conditions. Nucleotide substitutions within the consensus splice site are a relatively common cause of aberrant splicing (PMID: 17576681, 9536098). Algorithms developed to predict the effect of sequence changes on RNA splicing suggest that this variant may disrupt the consensus splice site, but this prediction has not been confirmed by published transcriptional studies. In summary, the available evidence is currently insufficient to determine the role of this variant in disease. Therefore, it has been classified as a Variant of Uncertain Significance.

Literature cited by the submitters: PubMed 17576681; PubMed 9536098.

NM_001177701.3(IFT27):c.352+3A>G

Genes: CACNG2-DT (CACNG2 divergent transcript; plus strand), IFT27 (intraflagellar transport 27; minus strand). Cytogenetic location: 22q12.3.
Variant type: single nucleotide variant.
Coding change: c.352+3A>G on transcript NM_001177701.3 (MANE Select); 3 bases into the intron after coding-DNA position 352, A replaced by G.
Molecular consequence: intron variant.
Genome position (GRCh38, 1-based): chr22:36,763,916, T>C on the plus strand (A>G on the coding strand, the complement: IFT27 is on the minus strand). VCF-style: chr22-36763916-T-C. GRCh37 (hg19) VCF-style: chr22-37159960-T-C.
Other names: c.352+3A>G (NM_001363003.2); c.349+3A>G (NM_006860.5).
Identifiers: ClinVar variation 1425666 (VCV001425666.3), dbSNP rs756665373, ClinGen allele CA10212404.